The following is an entry in ClinVar:

NM_003999.3(OSMR):c.991+40G>A

Gene: OSMR (oncostatin M receptor; plus strand). Cytogenetic location: 5p13.1.
Variant type: single nucleotide variant.
Coding change: c.991+40G>A on transcript NM_003999.3 (MANE Select); 40 bases into the intron after coding-DNA position 991, G replaced by A.
Molecular consequence: intron variant. On other transcripts: 3 prime UTR variant (2).
Genome position (GRCh38, 1-based): chr5:38,886,230, G>A. VCF-style: chr5-38886230-G-A. GRCh37 (hg19) VCF-style: chr5-38886332-G-A.
Other names: c.*2G>A (NM_001168355.3, NM_001323504.2); c.991+40G>A (NM_001323506.2, NM_001323505.2, NM_001323507.2).
Identifiers: ClinVar variation 3052239 (VCV003052239.2), dbSNP rs142927792, ClinGen allele CA3243912.

ClinVar aggregate classification (germline): Likely benign (0 of 4 stars; one submission).

Conditions:
OSMR-related disorder. Also called: OSMR-related condition.

Allele frequency attached by ClinVar (database versions not stated): TOPMed 0.00006; gnomAD 0.00007; gnomAD exomes 0.00007; ExAC 0.00010; 1000 Genomes Project 30x 0.00016; 1000 Genomes Project 0.00020.
gnomAD v4.1: 113 of 1,613,806 alleles (0.007%); highest among the groups gnomAD compares: East Asian, 0.16%; 1 homozygote.

Submission:

PreventionGenetics, part of Exact Sciences
Classification: Likely benign for OSMR-related condition. Last evaluated: 2019-04-08. Review status: no assertion criteria provided. Collection method: clinical testing. Allele origin: germline.
Comment: This variant is classified as likely benign based on ACMG/AMP sequence variant interpretation guidelines (Richards et al. 2015 PMID: 25741868, with internal and published modifications).